The following is an entry in ClinVar:

NM_005379.4(MYO1A):c.1961G>A (p.Arg654Gln)

Gene: MYO1A (myosin IA; minus strand). Cytogenetic location: 12q13.3.
Variant type: single nucleotide variant.
Coding change: c.1961G>A on transcript NM_005379.4 (MANE Select); coding-DNA position 1961, G replaced by A.
Protein change: p.Arg654Gln; replaces arginine 654 with glutamine.
Molecular consequence: missense variant.
Genome position (GRCh38, 1-based): chr12:57,037,869, C>T on the plus strand (G>A on the coding strand, the complement: MYO1A is on the minus strand). VCF-style: chr12-57037869-C-T. GRCh37 (hg19) VCF-style: chr12-57431653-C-T.
Other names: c.1961G>A, p.Arg654Gln (NM_001256041.2); short protein forms R654Q.
Identifiers: ClinVar variation 499788 (VCV000499788.7), dbSNP rs147147276, ClinGen allele CA6639931.

ClinVar aggregate classification (germline): Conflicting classifications of pathogenicity. Review status: criteria provided, conflicting classifications (1 of 4 stars). 2 submissions from 2 submitters: Uncertain significance (1); Likely benign (1). Last evaluated 2018-04-04.

Allele frequency attached by ClinVar (database versions not stated): ExAC 0.00008; ESP Exome Variant Server 0.00008; gnomAD 0.00009 and 0.00011; TOPMed 0.00014.

Submissions (2):

GeneDx
Classification: Likely benign. Last evaluated: 2018-04-04. Review status: criteria provided, single submitter. Criteria: GeneDx Variant Classification (06012015). Collection method: clinical testing. Allele origin: germline. Affected: yes.
Comment: This variant is considered likely benign or benign based on one or more of the following criteria: it is a conservative change, it occurs at a poorly conserved position in the protein, it is predicted to be benign by multiple in silico algorithms, and/or has population frequency not consistent with disease.

Eurofins Ntd Llc (ga)
Classification: Uncertain significance. Last evaluated: 2017-02-22. Review status: criteria provided, single submitter. Criteria: EGL Classification Definitions 2015. Collection method: clinical testing. Allele origin: germline. Observed: 1 variant allele, 1 heterozygote.